The following is an entry in ClinVar:

NM_033419.5(PGAP3):c.808G>A (p.Glu270Lys)

Gene: PGAP3 (post-GPI attachment to proteins phospholipase 3; minus strand). Cytogenetic location: 17q12.
Variant type: single nucleotide variant.
Coding change: c.808G>A on transcript NM_033419.5 (MANE Select); coding-DNA position 808, G replaced by A.
Protein change: p.Glu270Lys; replaces glutamic acid 270 with lysine.
Molecular consequence: missense variant. On other transcripts: intron variant (3).
Genome position (GRCh38, 1-based): chr17:39,673,142, C>T on the plus strand (G>A on the coding strand, the complement: PGAP3 is on the minus strand). VCF-style: chr17-39673142-C-T. GRCh37 (hg19) VCF-style: chr17-37829395-C-T.
Other names: c.655G>A, p.Glu219Lys (NM_001291726.2); c.745G>A, p.Glu249Lys (NM_001291728.2); c.433-276G>A (NM_001291733.2); c.495-276G>A (NM_001291732.2); c.558-276G>A (NM_001291730.2); short protein forms E219K, E249K, E270K.
Identifiers: ClinVar variation 1214755 (VCV001214755.5), dbSNP rs532257048, ClinGen allele CA8533232.

ClinVar aggregate classification (germline): Conflicting classifications of pathogenicity. Review status: criteria provided, conflicting classifications (1 of 4 stars). 2 submissions from 2 submitters: Likely pathogenic (1); Uncertain significance (1). Last evaluated 2026-02-13.

Conditions:
Hyperphosphatasia with impaired intellectual development syndrome 4. Also called: GLYCOSYLPHOSPHATIDYLINOSITOL BIOSYNTHESIS DEFECT 10; Hyperphosphatasia with intellectual disability syndrome 4. Identifiers: Orphanet 247262, MedGen C3810354, MONDO:0014318, OMIM 615716.

Allele frequency attached by ClinVar (database versions not stated): 1000 Genomes Project 30x 0.00031; gnomAD 0.00001; TOPMed 0.00001; 1000 Genomes Project 0.00020.
gnomAD v4.1: 9 of 1,602,682 alleles (0.00056%); highest among the groups gnomAD compares: South Asian, 0.0056%; no homozygotes.

Submissions (2):

OLLIN Analises Genomicas, OLLIN
Classification: Uncertain significance for Hyperphosphatasia with impaired intellectual development syndrome 4. Last evaluated: 2026-02-13. Review status: criteria provided, single submitter. Criteria: ACMG Guidelines 2015 PMID 25741868. Collection method: clinical testing. Allele origin: germline. Observed: 2 variant alleles.
Comment: PM2_P, PM3_P, PP3

GeneDx
Classification: Likely pathogenic. Last evaluated: 2025-05-06. Review status: criteria provided, single submitter. Criteria: GeneDx Variant Classification Process June 2021. Collection method: clinical testing. Allele origin: germline. Affected: yes.
Comment: Not observed at significant frequency in large population cohorts (gnomAD); In silico analysis supports that this missense variant has a deleterious effect on protein structure/function; Has not been previously published as pathogenic or benign to our knowledge